The following is an entry in ClinVar:

ClinVar aggregate classification (germline): Uncertain significance (1 of 4 stars; one submission).

Submission:

Ambry Genetics
Classification: Uncertain significance. Last evaluated: 2025-10-15. Review status: criteria provided, single submitter. Criteria: Ambry Variant Classification Scheme 2023. Collection method: clinical testing. Allele origin: germline.
Comment: The p.R1946L variant (also known as c.5837G>T), located in coding exon 23 of the WNK2 gene, results from a G to T substitution at nucleotide position 5837. The arginine at codon 1946 is replaced by leucine, an amino acid with dissimilar properties. This amino acid position is conserved. In addition, this alteration is predicted to be deleterious by in silico analysis. Based on the available evidence, the clinical significance of this variant remains unclear.

NM_006648.4(WNK2):c.5837G>T (p.Arg1946Leu)

Gene: WNK2 (WNK lysine deficient protein kinase 2; plus strand). Cytogenetic location: 9q22.31.
Variant type: single nucleotide variant.
Coding change: c.5837G>T on transcript NM_006648.4 (MANE Select); coding-DNA position 5837, G replaced by T.
Protein change: p.Arg1946Leu; replaces arginine 1946 with leucine.
Molecular consequence: missense variant.
Genome position (GRCh38, 1-based): chr9:93,297,981, G>T. VCF-style: chr9-93297981-G-T. GRCh37 (hg19) VCF-style: chr9-96060263-G-T.
Other names: c.5948G>T, p.Arg1983Leu (NM_001282394.3); short protein forms R1983L, R1946L.
Identifiers: ClinVar variation 4605262 (VCV004605262.1).